The following is an entry in ClinVar:

NM_000781.3(CYP11A1):c.1126del (p.Leu376fs)

Gene: CYP11A1 (cytochrome P450 family 11 subfamily A member 1; minus strand). Cytogenetic location: 15q24.1.
Variant type: Deletion.
Coding change: c.1126del on transcript NM_000781.3 (MANE Select); coding-DNA position 1126, one base deleted (C; older notation c.1126delC).
Protein change: p.Leu376fs; shifts the reading frame from leucine 376.
Molecular consequence: frameshift variant.
Genome position (GRCh38, 1-based): chr15:74,339,618, G deleted on the plus strand (C on the coding strand, the reverse complement: CYP11A1 is on the minus strand); the first of 5 consecutive G bases (chr15:74,339,618-74,339,622); deleting any one gives the same sequence. VCF-style (leftmost placement, unchanged base first): chr15-74339617-AG-A. GRCh37 (hg19) VCF-style: chr15-74631958-AG-A.
Other names: c.652del, p.Leu218fs (NM_001099773.2); short protein forms L376fs, L218fs.
Identifiers: ClinVar variation 2864775 (VCV002864775.2), dbSNP rs2548329655, ClinGen allele CA2739269573.

ClinVar aggregate classification (germline): Pathogenic (1 of 4 stars; one submission).

Submission:

Labcorp Genetics (formerly Invitae), Labcorp
Classification: Pathogenic. Last evaluated: 2023-05-16. Review status: criteria provided, single submitter. Criteria: Invitae Variant Classification Sherloc (09022015). Collection method: clinical testing. Allele origin: germline.
Comment: For these reasons, this variant has been classified as Pathogenic. This variant has not been reported in the literature in individuals affected with CYP11A1-related conditions. This variant is not present in population databases (gnomAD no frequency). This sequence change creates a premature translational stop signal (p.Leu376Serfs*10) in the CYP11A1 gene. It is expected to result in an absent or disrupted protein product. Loss-of-function variants in CYP11A1 are known to be pathogenic (PMID: 15507506, 22435390, 27855232, 229968487).

Literature cited by the submitters: PubMed 15507506; PubMed 22435390; PubMed 27855232; PubMed 229968487.